The following is an entry in ClinVar:

ClinVar aggregate classification (germline): Uncertain significance (1 of 4 stars; one submission).

Allele frequency attached by ClinVar (database versions not stated): ExAC 0.00002; gnomAD exomes 0.00002; TOPMed 0.00005; gnomAD 0.00009.
gnomAD v4.1: 38 of 1,614,116 alleles (0.0024%); highest among the groups gnomAD compares: Admixed American, 0.05%; no homozygotes.

Submission:

Labcorp Genetics (formerly Invitae), Labcorp
Classification: Uncertain significance. Last evaluated: 2025-06-02. Review status: criteria provided, single submitter. Criteria: Invitae Variant Classification Sherloc (09022015). Collection method: clinical testing. Allele origin: germline.
Comment: This sequence change replaces arginine, which is basic and polar, with serine, which is neutral and polar, at codon 383 of the B4GALT1 protein (p.Arg383Ser). This variant is present in population databases (rs777536531, gnomAD 0.04%). This variant has not been reported in the literature in individuals affected with B4GALT1-related conditions. ClinVar contains an entry for this variant (Variation ID: 2161008). Invitae Evidence Modeling of protein sequence and biophysical properties (such as structural, functional, and spatial information, amino acid conservation, physicochemical variation, residue mobility, and thermodynamic stability) indicates that this missense variant is not expected to disrupt B4GALT1 protein function with a negative predictive value of 80%. In summary, the available evidence is currently insufficient to determine the role of this variant in disease. Therefore, it has been classified as a Variant of Uncertain Significance.

NM_001497.4(B4GALT1):c.1149A>T (p.Arg383Ser)

Gene: B4GALT1 (beta-1,4-galactosyltransferase 1; minus strand). Cytogenetic location: 9p21.1.
Variant type: single nucleotide variant.
Coding change: c.1149A>T on transcript NM_001497.4 (MANE Select); coding-DNA position 1149, A replaced by T.
Protein change: p.Arg383Ser; replaces arginine 383 with serine.
Molecular consequence: missense variant. On other transcripts: intron variant (1).
Genome position (GRCh38, 1-based): chr9:33,113,502, T>A on the plus strand (A>T on the coding strand, the complement: B4GALT1 is on the minus strand). VCF-style: chr9-33113502-T-A. GRCh37 (hg19) VCF-style: chr9-33113500-T-A.
Other names: c.1110A>T, p.Arg370Ser (NM_001378495.1); c.1026A>T, p.Arg342Ser (NM_001378496.1); c.649-8721A>T (NM_001378497.1); short protein forms R342S, R383S, R370S.
Identifiers: ClinVar variation 2161008 (VCV002161008.4), dbSNP rs777536531, ClinGen allele CA5023581.
Genomic context (GRCh38, chr9:33,113,502, plus strand): 5'-TGTACCAAAACGCTAGCTCGGTGTCCCGATGTCCACTGTGATTTGGGTATACAATGGGTA[T>A]CTCTGTACATCCAGCACCTGGTAGGTGAGTGAGTTCAAACCATCAGAGAGCATTGTCTCC-3'
Protein context (NP_001488.2, residues 373-393): SLTYQVLDVQ[Arg383Ser]YPLYTQITVD